The following is an entry in ClinVar:

ClinVar aggregate classification (germline): Uncertain significance (1 of 4 stars; one submission).

Submission:

GeneDx
Classification: Uncertain significance. Last evaluated: 2025-02-05. Review status: criteria provided, single submitter. Criteria: GeneDx Variant Classification Process June 2021. Collection method: clinical testing. Allele origin: germline. Affected: yes.
Comment: Not observed at significant frequency in large population cohorts (gnomAD); In silico analysis supports that this missense variant has a deleterious effect on protein structure/function; Has not been previously published as pathogenic or benign to our knowledge

NM_005215.4(DCC):c.1518T>G (p.Asn506Lys)

Gene: DCC (DCC netrin 1 receptor; plus strand). Cytogenetic location: 18q21.2.
Variant type: single nucleotide variant.
Coding change: c.1518T>G on transcript NM_005215.4 (MANE Select); coding-DNA position 1518, T replaced by G.
Protein change: p.Asn506Lys; replaces asparagine 506 with lysine.
Molecular consequence: missense variant.
Genome position (GRCh38, 1-based): chr18:53,179,061, T>G. VCF-style: chr18-53179061-T-G. GRCh37 (hg19) VCF-style: chr18-50705431-T-G.
Other names: short protein forms N506K.
Identifiers: ClinVar variation 4074479 (VCV004074479.1).